The following is an entry in ClinVar:

ClinVar aggregate classification (germline): Uncertain significance (1 of 4 stars; one submission).

Submission:

Labcorp Genetics (formerly Invitae), Labcorp
Classification: Uncertain significance. Last evaluated: 2022-09-06. Review status: criteria provided, single submitter. Criteria: Invitae Variant Classification Sherloc (09022015). Collection method: clinical testing. Allele origin: germline.
Comment: In summary, the available evidence is currently insufficient to determine the role of this variant in disease. Therefore, it has been classified as a Variant of Uncertain Significance. Algorithms developed to predict the effect of missense changes on protein structure and function are either unavailable or do not agree on the potential impact of this missense change (SIFT: "Deleterious"; PolyPhen-2: "Benign"; Align-GVGD: "Class C0"). This variant has not been reported in the literature in individuals affected with EFEMP1-related conditions. This variant is not present in population databases (gnomAD no frequency). This sequence change replaces glutamine, which is neutral and polar, with histidine, which is basic and polar, at codon 131 of the EFEMP1 protein (p.Gln131His).

NM_001039348.3(EFEMP1):c.393G>T (p.Gln131His)

Gene: EFEMP1 (EGF-like fibulin extracellular matrix protein 1; minus strand). Cytogenetic location: 2p16.1.
Variant type: single nucleotide variant.
Coding change: c.393G>T on transcript NM_001039348.3 (MANE Select); coding-DNA position 393, G replaced by T.
Protein change: p.Gln131His; replaces glutamine 131 with histidine.
Molecular consequence: missense variant.
Genome position (GRCh38, 1-based): chr2:55,917,789, C>A on the plus strand (G>T on the coding strand, the complement: EFEMP1 is on the minus strand). VCF-style: chr2-55917789-C-A. GRCh37 (hg19) VCF-style: chr2-56144924-C-A.
Other names: c.393G>T, p.Gln131His (NM_001039349.3); short protein forms Q131H.
Identifiers: ClinVar variation 2132222 (VCV002132222.4), dbSNP rs1670758959, ClinGen allele CA347026554.